The following is an entry in ClinVar:

ClinVar aggregate classification (germline): Pathogenic (1 of 4 stars; one submission).

Conditions:
Immunodeficiency 23 (IMD23). Also called: IMMUNODEFICIENCY WITH HYPER IgE AND COGNITIVE IMPAIRMENT; IMMUNODEFICIENCY-VASCULITIS-MYOCLONUS SYNDROME. Identifiers: Orphanet 443811, MedGen C4014371, MONDO:0014353, OMIM 615816.

Submission:

Labcorp Genetics (formerly Invitae), Labcorp
Classification: Pathogenic for Immunodeficiency 23. Last evaluated: 2023-12-15. Review status: criteria provided, single submitter. Criteria: Invitae Variant Classification Sherloc (09022015). Collection method: clinical testing. Allele origin: germline.
Comment: This variant, c.1587_1589del, results in the deletion of 1 amino acid(s) of the PGM3 protein (p.Glu529del), but otherwise preserves the integrity of the reading frame. This variant is not present in population databases (gnomAD no frequency). This variant has not been reported in the literature in individuals affected with PGM3-related conditions. Experimental studies and prediction algorithms are not available or were not evaluated, and the functional significance of this variant is currently unknown. This variant disrupts a region of the PGM3 protein in which other variant(s) (p.Glu529Gln) have been determined to be pathogenic (PMID: 24589341). This suggests that this is a clinically significant region of the protein, and that variants that disrupt it are likely to be disease-causing. For these reasons, this variant has been classified as Pathogenic.

Literature cited by the submitters: PubMed 24589341.

NM_015599.3(PGM3):c.1500AGA[1] (p.Glu501del)

Genes: DOP1A (DOP1 leucine zipper like protein A; plus strand), PGM3 (phosphoglucomutase 3; minus strand). Cytogenetic location: 6q14.1.
Variant type: Microsatellite.
Coding change: c.1500AGA[1] on transcript NM_015599.3 (MANE Select); one copy of the 3-base unit AGA starting at c.1500; the reference has two copies in a row; one copy, 3 bases deleted.
Protein change: p.Glu501del; deletes glutamic acid 501.
Molecular consequence: inframe deletion. On other transcripts: non-coding transcript variant (2).
Genome position (GRCh38, 1-based): chr6:83,170,339-83,170,341, TCT deleted on the plus strand (AGA on the coding strand, the reverse complement: PGM3 is on the minus strand); deleting any 3 consecutive bases within chr6:83,170,339-83,170,344 gives the same sequence; the position shown is the placement nearest the transcript's 3' end. VCF-style (leftmost placement, unchanged base first): chr6-83170338-ATCT-A. GRCh37 (hg19) VCF-style: chr6-83880057-ATCT-A.
Other names: c.1584AGA[1], p.Glu529del (NM_001199917.2, NM_001367287.1); c.1257AGA[1], p.Glu420del (NM_001199918.2); c.1500AGA[1], p.Glu501del (NM_001199919.2); c.1377AGA[1], p.Glu460del (NM_001367286.1); short protein forms E501del, E460del, E420del, E529del.
Identifiers: ClinVar variation 2693235 (VCV002693235.3), dbSNP rs2537971458, ClinGen allele CA2679529566.